The following is an entry in ClinVar:

ClinVar aggregate classification (germline): Benign. Review status: criteria provided, single submitter (1 of 4 stars). 2 submissions from 2 submitters: Benign (1). 1 of the submissions does not count toward it. Last evaluated 2026-02-02.

Conditions:
LARS1-related disorder. Also called: LARS1-related condition.

Allele frequency attached by ClinVar (database versions not stated): TOPMed below 0.00001; gnomAD 0.00002; gnomAD exomes 0.00005; ExAC 0.00016; 1000 Genomes Project 0.00040; 1000 Genomes Project 30x 0.00047.
gnomAD v4.1: 73 of 1,610,988 alleles (0.0045%); highest among the groups gnomAD compares: South Asian, 0.076%; no homozygotes.

Submissions (2):

Labcorp Genetics (formerly Invitae), Labcorp
Classification: Benign. Last evaluated: 2026-02-02. Review status: criteria provided, single submitter. Criteria: Invitae Variant Classification Sherloc (09022015). Collection method: clinical testing. Allele origin: germline.

PreventionGenetics, part of Exact Sciences
Classification: Likely benign for LARS1-related condition. Last evaluated: 2019-02-21. Review status: no assertion criteria provided. Collection method: clinical testing. Allele origin: germline. Not counted in ClinVar's aggregate classification.
Comment: This variant is classified as likely benign based on ACMG/AMP sequence variant interpretation guidelines (Richards et al. 2015 PMID: 25741868, with internal and published modifications).

NM_020117.11(LARS1):c.2700G>A (p.Gln900=)

Gene: LARS1 (leucyl-tRNA synthetase 1; minus strand). Cytogenetic location: 5q32.
Variant type: single nucleotide variant.
Coding change: c.2700G>A on transcript NM_020117.11 (MANE Select); coding-DNA position 2700, G replaced by A.
Protein change: p.Gln900=; no amino-acid change (glutamine 900 retained).
Molecular consequence: synonymous variant.
Genome position (GRCh38, 1-based): chr5:146,129,047, C>T on the plus strand (G>A on the coding strand, the complement: LARS1 is on the minus strand). VCF-style: chr5-146129047-C-T. GRCh37 (hg19) VCF-style: chr5-145508610-C-T.
Other names: c.2562G>A, p.Gln854= (NM_001317964.2); c.2538G>A, p.Gln846= (NM_001317965.2); c.2619G>A, p.Gln873= (NM_016460.4).
Identifiers: ClinVar variation 3057262 (VCV003057262.3), dbSNP rs554207542, ClinGen allele CA3489256.